The following is an entry in ClinVar:

NM_004100.5(EYA4):c.304C>A (p.Pro102Thr)

Genes: EYA4 (EYA transcriptional coactivator and phosphatase 4; plus strand), EYA4-AS2 (EYA4 antisense RNA 2; minus strand). Cytogenetic location: 6q23.2.
Variant type: single nucleotide variant.
Coding change: c.304C>A on transcript NM_004100.5 (MANE Select); coding-DNA position 304, C replaced by A.
Protein change: p.Pro102Thr; replaces proline 102 with threonine.
Molecular consequence: missense variant. On other transcripts: non-coding transcript variant (1), intron variant (2).
Genome position (GRCh38, 1-based): chr6:133,456,582, C>A. VCF-style: chr6-133456582-C-A. GRCh37 (hg19) VCF-style: chr6-133777720-C-A.
Other names: c.304C>A, p.Pro102Thr (NM_001301013.2, NM_172105.4); c.235C>A, p.Pro79Thr (NM_001370458.1, NM_172103.4); c.209-4532C>A (NM_001370459.1, NM_001301012.2); short protein forms P79T, P102T.
Identifiers: ClinVar variation 4752772 (VCV004752772.1).

ClinVar aggregate classification (germline): Uncertain significance (1 of 4 stars; one submission).

Conditions:
Dilated cardiomyopathy 1J (CMD1J). Also called: CARDIOMYOPATHY, DILATED, WITH SENSORINEURAL HEARING LOSS, AUTOSOMAL DOMINANT. Identifiers: Orphanet 217622, MedGen C1854368, MONDO:0011541, OMIM 605362.

gnomAD v4.1: 2 of 1,612,968 alleles (0.00012%); highest among the groups gnomAD compares: South Asian, 0.0022%; no homozygotes.

Submission:

Labcorp Genetics (formerly Invitae), Labcorp
Classification: Uncertain significance for Dilated cardiomyopathy 1J. Last evaluated: 2025-07-03. Review status: criteria provided, single submitter. Criteria: Invitae Variant Classification Sherloc (09022015). Collection method: clinical testing. Allele origin: germline.
Comment: This sequence change replaces proline, which is neutral and non-polar, with threonine, which is neutral and polar, at codon 102 of the EYA4 protein (p.Pro102Thr). This variant is present in population databases (rs756612363, gnomAD 0.003%). This variant has not been reported in the literature in individuals affected with EYA4-related conditions. An algorithm developed to predict the effect of missense changes on protein structure and function (PolyPhen-2) suggests that this variant is likely to be disruptive. In summary, the available evidence is currently insufficient to determine the role of this variant in disease. Therefore, it has been classified as a Variant of Uncertain Significance.